The following is an entry in ClinVar:

NM_006030.4(CACNA2D2):c.3421_3430del (p.Arg1141fs)

Genes: CACNA2D2 (calcium voltage-gated channel auxiliary subunit alpha2delta 2; minus strand), LOC127898564 (CYB561D2-LOC101928965; plus strand). Cytogenetic location: 3p21.31.
Variant type: Deletion.
Coding change: c.3421_3430del on transcript NM_006030.4 (MANE Select); coding-DNA positions 3421 to 3430, 10 bases deleted (CGCCGCCTCT; older notation c.3421_3430delCGCCGCCTCT).
Protein change: p.Arg1141fs; shifts the reading frame from arginine 1141.
Molecular consequence: frameshift variant.
Genome position (GRCh38, 1-based): chr3:50,364,668-50,364,677, AGAGGCGGCG deleted on the plus strand (CGCCGCCTCT on the coding strand, the reverse complement: CACNA2D2 is on the minus strand); deleting any 10 consecutive bases within chr3:50,364,668-50,364,684 gives the same sequence; the c. name uses the placement nearest the transcript's 3' end. VCF-style (leftmost placement, unchanged base first): chr3-50364667-CAGAGGCGGCG-C. GRCh37 (hg19) VCF-style: chr3-50402098-CAGAGGCGGCG-C.
Other names: c.3427_3436del, p.Arg1143fs (NM_001005505.3); c.3442_3451del, p.Arg1148fs (NM_001174051.3); c.3220_3229del, p.Arg1074fs (NM_001291101.1); short protein forms R1074fs, R1141fs, R1143fs, R1148fs.
Identifiers: ClinVar variation 1059235 (VCV001059235.2), dbSNP rs2109393712, ClinGen allele CA2499216921.

ClinVar aggregate classification (germline): Uncertain significance (1 of 4 stars; one submission).

Conditions:
Developmental and epileptic encephalopathy. Identifiers: MedGen C5779964, MONDO:0100620.

Submission:

Labcorp Genetics (formerly Invitae), Labcorp
Classification: Uncertain significance for Early-infantile DEE. Last evaluated: 2020-10-27. Review status: criteria provided, single submitter. Criteria: Invitae Variant Classification Sherloc (09022015). Collection method: clinical testing. Allele origin: germline.
Comment: This sequence change results in a frameshift in the CACNA2D2 gene (p.Arg1141Glufs*29). While this is not anticipated to result in nonsense mediated decay, it is expected to disrupt the last 3 amino acid(s) of the CACNA2D2 protein and extend the protein by 25 additional amino acid residues. This variant is not present in population databases (ExAC no frequency). This variant has not been reported in the literature in individuals with CACNA2D2-related conditions. Experimental studies and prediction algorithms are not available or were not evaluated, and the functional significance of this variant is currently unknown. In summary, the available evidence is currently insufficient to determine the role of this variant in disease. Therefore, it has been classified as a Variant of Uncertain Significance.